The following is an entry in ClinVar:

ClinVar aggregate classification (germline): Uncertain significance. Review status: criteria provided, multiple submitters, no conflicts (2 of 4 stars). 2 submissions from 2 submitters: Uncertain significance (2). Last evaluated 2025-09-29.

Conditions:
Inborn genetic diseases. Identifiers: MedGen C0950123, MeSH D030342.

Allele frequency attached by ClinVar (database versions not stated): gnomAD exomes below 0.00001; TOPMed below 0.00001; ExAC 0.00001; gnomAD 0.00001.

Submissions (2):

Labcorp Genetics (formerly Invitae), Labcorp
Classification: Uncertain significance. Last evaluated: 2025-09-29. Review status: criteria provided, single submitter. Criteria: Invitae Variant Classification Sherloc (09022015). Collection method: clinical testing. Allele origin: germline.
Comment: This sequence change replaces alanine, which is neutral and non-polar, with valine, which is neutral and non-polar, at codon 1048 of the VCAN protein (p.Ala1048Val). This variant is present in population databases (rs757463097, gnomAD 0.0009%). This variant has not been reported in the literature in individuals affected with VCAN-related conditions. ClinVar contains an entry for this variant (Variation ID: 2249286). An algorithm developed to predict the effect of missense changes on protein structure and function outputs the following: PolyPhen-2: "Benign". The valine amino acid residue is found in multiple mammalian species, which suggests that this missense change does not adversely affect protein function. In summary, the available evidence is currently insufficient to determine the role of this variant in disease. Therefore, it has been classified as a Variant of Uncertain Significance.

Ambry Genetics
Classification: Uncertain significance for Inborn genetic diseases. Last evaluated: 2021-09-15. Review status: criteria provided, single submitter. Criteria: Ambry Variant Classification Scheme 2023. Collection method: clinical testing. Allele origin: germline.

NM_004385.5(VCAN):c.3143C>T (p.Ala1048Val)

Gene: VCAN (versican; plus strand). Cytogenetic location: 5q14.3.
Variant type: single nucleotide variant.
Coding change: c.3143C>T on transcript NM_004385.5 (MANE Select); coding-DNA position 3143, C replaced by T.
Protein change: p.Ala1048Val; replaces alanine 1048 with valine.
Molecular consequence: missense variant. On other transcripts: intron variant (2).
Genome position (GRCh38, 1-based): chr5:83,521,449, C>T. VCF-style: chr5-83521449-C-T. GRCh37 (hg19) VCF-style: chr5-82817268-C-T.
Other names: c.3143C>T, p.Ala1048Val (NM_001164098.2); c.1042+9053C>T (NM_001164097.2, NM_001126336.3); short protein forms A1048V.
Identifiers: ClinVar variation 2249286 (VCV002249286.3), dbSNP rs757463097, ClinGen allele CA3332966.